The following is an entry in ClinVar:

ClinVar aggregate classification (germline): Pathogenic/Likely pathogenic. Review status: criteria provided, multiple submitters, no conflicts (2 of 4 stars). 8 submissions from 8 submitters: Pathogenic (5); Likely pathogenic (1). 2 of the submissions do not count toward it. Last evaluated 2024-07-31.

Conditions:
ADNP-related disorder. Also called: ADNP-related condition.
Inborn genetic diseases. Identifiers: MedGen C0950123, MeSH D030342.
ADNP-related multiple congenital anomalies - intellectual disability - autism spectrum disorder. Also called: Helsmoortel-Van der Aa Syndrome; ADNP-Related Helsmoortel-Van der Aa Syndrome. Identifiers: Orphanet 404448, MedGen C4014538, MONDO:0014379, OMIM 615873. Disease mechanism: loss of function.
Intellectual disability. Also called: Intellectual functioning disability; Intellectual developmental disorder; intellectual disabilities. Identifiers: MedGen C3714756, MeSH D008607, MONDO:0001071, HP:0001249.

Submissions (8):

Blueprint Genetics
Classification: Pathogenic for ADNP-related disorders. Last evaluated: 2024-07-31. Review status: criteria provided, single submitter. Criteria: ACMG Guidelines, 2015. Collection method: clinical testing. Allele origin: de novo. Affected: yes. Observed: 1 variant allele.

Ambry Genetics
Classification: Pathogenic for Inborn genetic diseases. Last evaluated: 2024-01-11. Review status: criteria provided, single submitter. Criteria: Ambry Variant Classification Scheme 2023. Collection method: clinical testing. Allele origin: germline.
Comment: The c.2491_2494delTTAA (p.L831Ifs*82) alteration, located in exon 5 (coding exon 3) of the ADNP gene, consists of a deletion of 4 nucleotides from position 2491 to 2494, causing a translational frameshift with a predicted alternate stop codon after 82 amino acids. This alteration occurs at the 3' terminus of the ADNP gene, is not expected to trigger nonsense-mediated mRNA decay, and only impacts the last 24.5% of the protein. However, premature stop codons are typically deleterious in nature, the impacted region is critical for protein function, and a significant portion of the protein is affected (Ambry internal data). Based on data from gnomAD, this allele has an overall frequency of <0.001% (1/251336) total alleles studied. The highest observed frequency was 0.001% (1/113634) of European (non-Finnish) alleles. This variant was reported in multiple individuals with autism and other features consistent with ADNP-related neurodevelopmental disorder, and has been reported de novo in other individuals with similar clinical features (Helsmoortel, 2014; Li, 2017; Aref-Eshghi, 2019; Van Dijck, 2019). Based on the available evidence, this alteration is classified as pathogenic.

Labcorp Genetics (formerly Invitae), Labcorp
Classification: Pathogenic. Last evaluated: 2023-12-04. Review status: criteria provided, single submitter. Criteria: Invitae Variant Classification Sherloc (09022015). Collection method: clinical testing. Allele origin: germline.
Comment: This sequence change creates a premature translational stop signal (p.Leu831Ilefs*82) in the ADNP gene. While this is not anticipated to result in nonsense mediated decay, it is expected to disrupt the last 272 amino acid(s) of the ADNP protein. This variant is present in population databases (no rsID available, gnomAD 0.0009%). This premature translational stop signal has been observed in individual(s) with autism (PMID: 24531329). ClinVar contains an entry for this variant (Variation ID: 139631). This variant disrupts a region of the ADNP protein in which other variant(s) (p.Met1088Serfs*5) have been determined to be pathogenic (PMID: 28135719). This suggests that this is a clinically significant region of the protein, and that variants that disrupt it are likely to be disease-causing. For these reasons, this variant has been classified as Pathogenic.

Genetics Laboratory, UDIAT-Centre Diagnòstic, Hospital Universitari Parc Tauli
Classification: Likely pathogenic for ADNP-related multiple congenital anomalies - intellectual disability - autism spectrum disorder. Last evaluated: 2022-10-04. Review status: criteria provided, single submitter. Criteria: Parc Tauli Hospital Assertion Criteria 2021. Collection method: clinical testing. Allele origin: de novo. Inheritance: Autosomal dominant inheritance. Affected: yes.
Comment: PVS1_strong;PS4_moderate;PM6;PM2_supporting

GeneDx
Classification: Pathogenic. Last evaluated: 2021-11-05. Review status: criteria provided, single submitter. Criteria: GeneDx Variant Classification Process June 2021. Collection method: clinical testing. Allele origin: germline. Affected: yes.
Comment: Frameshift variant in the C-terminus predicted to result in protein truncation, as the last 272 amino acids are lost and replaced with 81 incorrect amino acids (Stenson et al., 2014); This variant is associated with the following publications: (PMID: 24531329, 28221363, 28475273, 29724491, 27054228, 31785789, 30929737, 31029150, 33004838)

Equipe Genetique des Anomalies du Developpement, Université de Bourgogne
Classification: Pathogenic for Intellectual disability. Review status: criteria provided, single submitter. Criteria: ACMG Guidelines, 2015. Collection method: clinical testing. Allele origin: de novo. Affected: yes.

OMIM
Classification: Pathogenic for HELSMOORTEL-VAN DER AA SYNDROME. Last evaluated: 2014-04-01. Review status: no assertion criteria provided. Collection method: literature only. Allele origin: germline. Not counted in ClinVar's aggregate classification.

GeneReviews
No classification provided. Condition: ADNP-related multiple congenital anomalies - intellectual disability - autism spectrum disorder. Review status: no classification provided. Collection method: literature only. Allele origin: germline. Not counted in ClinVar's aggregate classification.
Comment: All other pathogenic variants are heterozygous frameshift or nonsense variants in the 3-prime end of 5th (last) exon of ADNP and predict a premature termination

Literature cited by the submitters: PubMed 24531329 (cited by 4 submitters); PubMed 28475273 (cited by Ambry Genetics); PubMed 29724491 (cited by Ambry Genetics); PubMed 30929737 (cited by Ambry Genetics); PubMed 28135719 (cited by Labcorp Genetics (formerly Invitae), Labcorp).

NM_001282531.3(ADNP):c.2491_2494del (p.Leu831fs)

Gene: ADNP (activity dependent neuroprotector homeobox; minus strand). Cytogenetic location: 20q13.13.
Variant type: Deletion.
Coding change: c.2491_2494del on transcript NM_001282531.3 (MANE Select); coding-DNA positions 2491 to 2494, 4 bases deleted (TTAA; older notation c.2491_2494delTTAA).
Protein change: p.Leu831fs; shifts the reading frame from leucine 831.
Molecular consequence: frameshift variant.
Genome position (GRCh38, 1-based): chr20:50,892,220-50,892,223, TTAA deleted on the plus strand (TTAA on the coding strand, the reverse complement: ADNP is on the minus strand); deleting any 4 consecutive bases within chr20:50,892,220-50,892,225 gives the same sequence; the c. name uses the placement nearest the transcript's 3' end. VCF-style (leftmost placement, unchanged base first): chr20-50892219-TTTAA-T. GRCh37 (hg19) VCF-style: chr20-49508756-TTTAA-T.
Other names: c.2491_2494delTTAA (NM_015339.2, NM_015339.5); c.2491_2494del, p.Leu831fs (NM_001282532.2, NM_001347511.2, NM_015339.5 and 1 more transcripts); short protein forms L831fs.
Identifiers: ClinVar variation 139631 (VCV000139631.16), dbSNP rs587777522, ClinGen allele CA163341.